The following is an entry in ClinVar:

NM_000152.5(GAA):c.2800-227C>T

Gene: GAA (alpha glucosidase; plus strand). Cytogenetic location: 17q25.3.
Variant type: single nucleotide variant.
Coding change: c.2800-227C>T on transcript NM_000152.5 (MANE Select); 227 bases into the intron before coding-DNA position 2800, C replaced by T.
Molecular consequence: intron variant.
Genome position (GRCh38, 1-based): chr17:80,119,045, C>T. VCF-style: chr17-80119045-C-T. GRCh37 (hg19) VCF-style: chr17-78092844-C-T.
Other names: c.2800-227C>T (NM_001079803.3, NM_001079804.3).
Identifiers: ClinVar variation 680272 (VCV000680272.2), dbSNP rs9890469, ClinGen allele CA14479354.

ClinVar aggregate classification (germline): Benign. Review status: criteria provided, multiple submitters, no conflicts (2 of 4 stars). 2 submissions from 2 submitters: Benign (2). Last evaluated 2026-07-01.

Conditions:
Glycogen storage disease, type II (IOPD). Also called: Pompe Disease; CARDIOMEGALIA GLYCOGENICA DIFFUSA; GLYCOGENOSIS, GENERALIZED, CARDIAC FORM; GSD II; POMPE DISEASE, INFANTILE-ONSET; GLYCOGEN STORAGE DISEASE II, INFANTILE-ONSET. Identifiers: Orphanet 365, MedGen C0017921, MONDO:0009290, OMIM 232300.

Allele frequency attached by ClinVar (database versions not stated): 1000 Genomes Project 30x 0.59447; 1000 Genomes Project 0.59625; TOPMed 0.62640; gnomAD 0.64636 and 0.64688.
gnomAD v4.1: 98,437 of 152,100 alleles (65%); highest among the groups gnomAD compares: Middle Eastern, 85%; 32,879 homozygotes.

Submissions (2):

Genomenon, Inc
Classification: Benign for Glycogen storage disease, type II. Last evaluated: 2026-07-01. Review status: criteria provided, single submitter. Criteria: Genomenon Sequence Variant Interpretation Standards - Updated. Collection method: curation. Allele origin: germline. Affected: no.
Comment: GAA c.2800-227C>T is an intronic variant located in intron 19. This variant is present at high allele frequency in population databases. We classify GAA c.2800-227C>T as a benign variant.

GeneDx
Classification: Benign. Last evaluated: 2018-06-14. Review status: criteria provided, single submitter. Criteria: GeneDx Variant Classification (06012015). Collection method: clinical testing. Allele origin: germline. Affected: yes.
Comment: This variant is considered likely benign or benign based on one or more of the following criteria: it is a conservative change, it occurs at a poorly conserved position in the protein, it is predicted to be benign by multiple in silico algorithms, and/or has population frequency not consistent with disease.